The following is an entry in ClinVar:

ClinVar aggregate classification (germline): Uncertain significance (1 of 4 stars; one submission).

Submission:

Labcorp Genetics (formerly Invitae), Labcorp
Classification: Uncertain significance. Last evaluated: 2025-10-08. Review status: criteria provided, single submitter. Criteria: Invitae Variant Classification Sherloc (09022015). Collection method: clinical testing. Allele origin: germline.
Comment: This sequence change replaces arginine, which is basic and polar, with histidine, which is basic and polar, at codon 95 of the NEFH protein (p.Arg95His). This variant is not present in population databases (gnomAD no frequency). This variant has not been reported in the literature in individuals affected with NEFH-related conditions. ClinVar contains an entry for this variant (Variation ID: 2811655). Invitae Evidence Modeling of protein sequence and biophysical properties (such as structural, functional, and spatial information, amino acid conservation, physicochemical variation, residue mobility, and thermodynamic stability) indicates that this missense variant is not expected to disrupt NEFH protein function with a negative predictive value of 95%. In summary, the available evidence is currently insufficient to determine the role of this variant in disease. Therefore, it has been classified as a Variant of Uncertain Significance.

NM_021076.4(NEFH):c.284G>A (p.Arg95His)

Gene: NEFH (neurofilament heavy chain; plus strand). Cytogenetic location: 22q12.2.
Variant type: single nucleotide variant.
Coding change: c.284G>A on transcript NM_021076.4 (MANE Select); coding-DNA position 284, G replaced by A.
Protein change: p.Arg95His; replaces arginine 95 with histidine.
Molecular consequence: missense variant.
Genome position (GRCh38, 1-based): chr22:29,480,546, G>A. VCF-style: chr22-29480546-G-A. GRCh37 (hg19) VCF-style: chr22-29876535-G-A.
Other names: short protein forms R95H.
Identifiers: ClinVar variation 2811655 (VCV002811655.3), dbSNP rs2062997879, ClinGen allele CA411122408.